The following is an entry in ClinVar:

ClinVar aggregate classification (germline): Uncertain significance. Review status: criteria provided, multiple submitters, no conflicts (2 of 4 stars). 4 submissions from 4 submitters: Uncertain significance (3). 1 of the submissions does not count toward it. Last evaluated 2024-11-07.

Conditions:
Glycogen storage disease type III (GSD3). Also called: FORBES DISEASE; Cori disease. Identifiers: Orphanet 366, MedGen C0017922, MONDO:0009291, OMIM 232400.

Allele frequency attached by ClinVar (database versions not stated): gnomAD exomes 0.00001 and 0.00004; TOPMed 0.00001; ExAC 0.00002.
gnomAD v4.1: 11 of 1,613,080 alleles (0.00068%); highest among the groups gnomAD compares: East Asian, 0.025%; no homozygotes.

Submissions (4):

Labcorp Genetics (formerly Invitae), Labcorp
Classification: Uncertain significance for Glycogen storage disease type III. Last evaluated: 2024-11-07. Review status: criteria provided, single submitter. Criteria: Invitae Variant Classification Sherloc (09022015). Collection method: clinical testing. Allele origin: germline.
Comment: This sequence change affects codon 1086 of the AGL mRNA. It is a 'silent' change, meaning that it does not change the encoded amino acid sequence of the AGL protein. It affects a nucleotide within the consensus splice site. This variant is present in population databases (rs779468425, gnomAD 0.05%). This variant has not been reported in the literature in individuals affected with AGL-related conditions. ClinVar contains an entry for this variant (Variation ID: 971643). Algorithms developed to predict the effect of sequence changes on RNA splicing suggest that this variant is not likely to affect RNA splicing. In summary, the available evidence is currently insufficient to determine the role of this variant in disease. Therefore, it has been classified as a Variant of Uncertain Significance.

Genome-Nilou Lab
Classification: Uncertain significance for Glycogen storage disease type III. Last evaluated: 2023-04-11. Review status: criteria provided, single submitter. Criteria: ACMG Guidelines, 2015. Collection method: clinical testing. Allele origin: germline. Affected: no.

Fulgent Genetics
Classification: Uncertain significance for Glycogen storage disease type III. Last evaluated: 2021-08-13. Review status: criteria provided, single submitter. Criteria: ACMG Guidelines, 2015. Collection method: clinical testing. Allele origin: unknown.

Natera, Inc.
Classification: Uncertain significance for Glycogen storage disease type III. Last evaluated: 2020-09-01. Review status: no assertion criteria provided. Collection method: clinical testing. Allele origin: germline. Not counted in ClinVar's aggregate classification.

NM_000642.3(AGL):c.3258A>T (p.Ala1086=)

Gene: AGL (amylo-alpha-1,6-glucosidase and 4-alpha-glucanotransferase; plus strand). Cytogenetic location: 1p21.2.
Variant type: single nucleotide variant.
Coding change: c.3258A>T on transcript NM_000642.3 (MANE Select); coding-DNA position 3258, A replaced by T.
Protein change: p.Ala1086=; no amino-acid change (alanine 1086 retained).
Molecular consequence: synonymous variant.
Genome position (GRCh38, 1-based): chr1:99,892,606, A>T. VCF-style: chr1-99892606-A-T. GRCh37 (hg19) VCF-style: chr1-100358162-A-T.
Other names: c.3258A>T, p.Ala1086= (NM_000028.3, NM_000643.3, NM_000644.3 and 1 more transcripts); c.3210A>T, p.Ala1070= (NM_000646.3); c.3237A>T, p.Ala1079= (NM_001425326.1); c.3057A>T, p.Ala1019= (NM_001425327.1); c.3054A>T, p.Ala1018= (NM_001425328.1); c.2919A>T, p.Ala973= (NM_001425329.1); c.2880A>T, p.Ala960= (NM_001425332.1).
Identifiers: ClinVar variation 971643 (VCV000971643.11), dbSNP rs779468425, ClinGen allele CA967008.
Genomic context (GRCh38, chr1:99,892,606, plus strand): 5'-ACCTTATAGGTTAAATGAGATCACAAAAGAAAAGGAGCAATGTTGTGTTTCTCTAGCTGC[A>T]GGTAAGGAATTATGTACAAGGTTAAAATATGTAAATCGATAGTATTCGCGGAAGAAAAGT-3'
Protein context (NP_000633.2, residues 1076-1096): EKEQCCVSLA[Ala1086=]GLPHFSSGIF